The following is an entry in ClinVar:

ClinVar aggregate classification (germline): Uncertain significance (1 of 4 stars; one submission).

Conditions:
Glycogen storage disease IXb (GSD9B). Also called: PHOSPHORYLASE KINASE DEFICIENCY OF LIVER AND MUSCLE, AUTOSOMAL RECESSIVE; GLYCOGENOSIS OF LIVER AND MUSCLE, AUTOSOMAL RECESSIVE; GSD IXb. Identifiers: Orphanet 79240, MedGen C0543514, MONDO:0009868, OMIM 261750.

Allele frequency attached by ClinVar (database versions not stated): TOPMed below 0.00001; gnomAD 0.00001; gnomAD exomes 0.00001.
gnomAD v4.1: 7 of 1,343,046 alleles (0.00052%); highest among the groups gnomAD compares: Non-Finnish European, 0.00075%; no homozygotes.

Submission:

Labcorp Genetics (formerly Invitae), Labcorp
Classification: Uncertain significance for Glycogen storage disease IXb. Last evaluated: 2022-08-19. Review status: criteria provided, single submitter. Criteria: Invitae Variant Classification Sherloc (09022015). Collection method: clinical testing. Allele origin: germline.
Comment: This sequence change falls in intron 10 of the PHKB gene. It does not directly change the encoded amino acid sequence of the PHKB protein. It affects a nucleotide within the consensus splice site. This variant is not present in population databases (gnomAD no frequency). This variant has not been reported in the literature in individuals affected with PHKB-related conditions. Variants that disrupt the consensus splice site are a relatively common cause of aberrant splicing (PMID: 17576681, 9536098). Algorithms developed to predict the effect of sequence changes on RNA splicing suggest that this variant is not likely to affect RNA splicing. In summary, the available evidence is currently insufficient to determine the role of this variant in disease. Therefore, it has been classified as a Variant of Uncertain Significance.

Literature cited by the submitters: PubMed 17576681; PubMed 9536098.

NM_000293.3(PHKB):c.1069-3T>C

Gene: PHKB (phosphorylase kinase regulatory subunit beta; plus strand). Cytogenetic location: 16q12.1.
Variant type: single nucleotide variant.
Coding change: c.1069-3T>C on transcript NM_000293.3 (MANE Select); 3 bases into the intron before coding-DNA position 1069, T replaced by C.
Molecular consequence: intron variant.
Genome position (GRCh38, 1-based): chr16:47,593,497, T>C. VCF-style: chr16-47593497-T-C. GRCh37 (hg19) VCF-style: chr16-47627408-T-C.
Other names: c.1069-3T>C (NM_001363837.1); c.1048-3T>C (NM_001031835.3).
Identifiers: ClinVar variation 2201651 (VCV002201651.1), dbSNP rs775366763, ClinGen allele CA280223552.